The following is an entry in ClinVar:

NM_206933.4(USH2A):c.13909C>T (p.Pro4637Ser)

Gene: USH2A (usherin; minus strand). Cytogenetic location: 1q41.
Variant type: single nucleotide variant.
Coding change: c.13909C>T on transcript NM_206933.4 (MANE Select); coding-DNA position 13909, C replaced by T.
Protein change: p.Pro4637Ser; replaces proline 4637 with serine.
Molecular consequence: missense variant.
Genome position (GRCh38, 1-based): chr1:215,671,196, G>A on the plus strand (C>T on the coding strand, the complement: USH2A is on the minus strand). VCF-style: chr1-215671196-G-A. GRCh37 (hg19) VCF-style: chr1-215844538-G-A.
Other names: short protein forms P4637S.
Identifiers: ClinVar variation 1961440 (VCV001961440.2), dbSNP rs781183733, ClinGen allele CA1393179.

ClinVar aggregate classification (germline): Uncertain significance (1 of 4 stars; one submission).

Allele frequency attached by ClinVar (database versions not stated): gnomAD exomes 0.00001; ExAC 0.00002.
gnomAD v4.1: 14 of 1,614,144 alleles (0.00087%); highest among the groups gnomAD compares: South Asian, 0.013%; no homozygotes.

Submission:

Labcorp Genetics (formerly Invitae), Labcorp
Classification: Uncertain significance. Last evaluated: 2022-08-31. Review status: criteria provided, single submitter. Criteria: Invitae Variant Classification Sherloc (09022015). Collection method: clinical testing. Allele origin: germline.
Comment: This sequence change replaces proline, which is neutral and non-polar, with serine, which is neutral and polar, at codon 4637 of the USH2A protein (p.Pro4637Ser). This variant is present in population databases (rs781183733, gnomAD 0.01%). This variant has not been reported in the literature in individuals affected with USH2A-related conditions. Algorithms developed to predict the effect of missense changes on protein structure and function output the following: SIFT: "Tolerated"; PolyPhen-2: "Benign"; Align-GVGD: "Class C25". The serine amino acid residue is found in multiple mammalian species, which suggests that this missense change does not adversely affect protein function. In summary, the available evidence is currently insufficient to determine the role of this variant in disease. Therefore, it has been classified as a Variant of Uncertain Significance.